The following is an entry in ClinVar:

ClinVar aggregate classification (germline): Pathogenic (1 of 4 stars; one submission).

Conditions:
Intellectual developmental disorder, autosomal recessive 13. Also called: Intellectual disability, autosomal recessive 13. Identifiers: Orphanet 88616, MedGen C2750791, MONDO:0013173, OMIM 613192.

Submission:

Department of Medical Genetics, Sanjay Gandhi Post Graduate Institute of Medical Sciences
Classification: Pathogenic for Intellectual developmental disorder, autosomal recessive 13. Review status: criteria provided, single submitter. Criteria: ACMG Guidelines, 2015. Collection method: research. Allele origin: germline. Inheritance: Autosomal recessive inheritance. Affected: yes. Observed: 1 homozygote.
Comment: Analysis of the exome sequencing data showed a novel homozygous frameshift variant in TRAPPC9 gene. This variant is predicted as Disease Causing by MutationTaster.

NM_001160372.4(TRAPPC9):c.2458_2459del (p.Leu820fs)

Gene: TRAPPC9 (trafficking protein particle complex subunit 9; minus strand). Cytogenetic location: 8q24.3.
Variant type: Deletion.
Coding change: c.2458_2459del on transcript NM_001160372.4 (MANE Select); coding-DNA positions 2458 to 2459, 2 bases deleted (CT; older notation c.2458_2459delCT).
Protein change: p.Leu820fs; shifts the reading frame from leucine 820.
Molecular consequence: frameshift variant. On other transcripts: non-coding transcript variant (1).
Genome position (GRCh38, 1-based): chr8:140,221,556-140,221,557, AG deleted on the plus strand (CT on the coding strand, the reverse complement: TRAPPC9 is on the minus strand). VCF-style (leftmost placement, unchanged base first): chr8-140221555-CAG-C. GRCh37 (hg19) VCF-style: chr8-141231654-CAG-C.
Other names: c.2431_2432del, p.Leu811fs (NM_001321646.2); c.2479_2480del, p.Leu827fs (NM_001374682.1); c.2458_2459del, p.Leu820fs (NM_001374683.1, NM_031466.8); c.2314_2315del, p.Leu772fs (NM_001374684.1); short protein forms L772fs, L811fs, L820fs, L827fs.
Identifiers: ClinVar variation 982269 (VCV000982269.2), dbSNP rs2131321455, ClinGen allele CA2499219130.